The following is an entry in ClinVar:

NM_032119.4(ADGRV1):c.16676T>A (p.Phe5559Tyr)

Gene: ADGRV1 (adhesion G protein-coupled receptor V1; plus strand). Cytogenetic location: 5q14.3.
Variant type: single nucleotide variant.
Coding change: c.16676T>A on transcript NM_032119.4 (MANE Select); coding-DNA position 16676, T replaced by A.
Protein change: p.Phe5559Tyr; replaces phenylalanine 5559 with tyrosine.
Molecular consequence: missense variant. On other transcripts: non-coding transcript variant (1).
Genome position (GRCh38, 1-based): chr5:90,840,642, T>A. VCF-style: chr5-90840642-T-A. GRCh37 (hg19) VCF-style: chr5-90136459-T-A.
Other names: short protein forms F5559Y.
Identifiers: ClinVar variation 2633696 (VCV002633696.1), dbSNP rs2532438881, ClinGen allele CA360428277.

ClinVar aggregate classification (germline): Uncertain significance (1 of 4 stars; one submission).

Conditions:
ADGRV1-related disorder. Also called: ADGRV1-related condition; ADGRV1-related disorders.

Submission:

PreventionGenetics, part of Exact Sciences
Classification: Uncertain significance for ADGRV1-related condition. Last evaluated: 2023-03-13. Review status: criteria provided, single submitter. Criteria: ACMG Guidelines, 2015. Collection method: clinical testing. Allele origin: germline.
Comment: The ADGRV1 c.16676T>A variant is predicted to result in the amino acid substitution p.Phe5559Tyr. To our knowledge, this variant has not been reported in the literature or in a large population database, indicating this variant is rare. At this time, the clinical significance of this variant is uncertain due to the absence of conclusive functional and genetic evidence.